The following is an entry in ClinVar:

NM_144672.4(OTOA):c.1090G>A (p.Ala364Thr)

Gene: OTOA (otoancorin). Cytogenetic location: 16p12.2.
Variant type: single nucleotide variant.
Coding change: c.1090G>A on transcript NM_144672.4 (MANE Select); coding-DNA position 1090, G replaced by A.
Protein change: p.Ala364Thr; replaces alanine 364 with threonine.
Molecular consequence: missense variant.
Genome position (GRCh38, 1-based): chr16:21,705,278, G>A. VCF-style: chr16-21705278-G-A. GRCh37 (hg19) VCF-style: chr16-21716599-G-A.
Other names: c.853G>A, p.Ala285Thr (NM_001161683.2); c.118G>A, p.Ala40Thr (NM_170664.3); short protein forms A364T, A285T, A40T.
Identifiers: ClinVar variation 288936 (VCV000288936.12), dbSNP rs370590643, ClinGen allele CA7952531.

ClinVar aggregate classification (germline): Uncertain significance. Review status: criteria provided, multiple submitters, no conflicts (2 of 4 stars). 4 submissions from 4 submitters: Uncertain significance (4). Last evaluated 2025-01-28.

Conditions:
Inborn genetic diseases. Identifiers: MedGen C0950123, MeSH D030342.

Allele frequency attached by ClinVar (database versions not stated): gnomAD 0.00004 and 0.00005; TOPMed 0.00006; gnomAD exomes 0.00007 and 0.00010; ExAC 0.00008; ESP Exome Variant Server 0.00031.
gnomAD v4.1: 105 of 1,613,886 alleles (0.0065%); highest among the groups gnomAD compares: Middle Eastern, 0.017%; no homozygotes.

Submissions (4):

Ambry Genetics
Classification: Uncertain significance for Inborn genetic diseases. Last evaluated: 2025-01-28. Review status: criteria provided, single submitter. Criteria: Ambry Variant Classification Scheme 2023. Collection method: clinical testing. Allele origin: germline.

Labcorp Genetics (formerly Invitae), Labcorp
Classification: Uncertain significance. Last evaluated: 2025-01-28. Review status: criteria provided, single submitter. Criteria: Invitae Variant Classification Sherloc (09022015). Collection method: clinical testing. Allele origin: germline.
Comment: This sequence change replaces alanine, which is neutral and non-polar, with threonine, which is neutral and polar, at codon 364 of the OTOA protein (p.Ala364Thr). This variant is present in population databases (rs370590643, gnomAD 0.02%). This variant has not been reported in the literature in individuals affected with OTOA-related conditions. ClinVar contains an entry for this variant (Variation ID: 288936). An algorithm developed to predict the effect of missense changes on protein structure and function outputs the following: PolyPhen-2: "Benign". The threonine amino acid residue is found in multiple mammalian species, which suggests that this missense change does not adversely affect protein function. In summary, the available evidence is currently insufficient to determine the role of this variant in disease. Therefore, it has been classified as a Variant of Uncertain Significance.

GeneDx
Classification: Uncertain significance. Last evaluated: 2024-07-31. Review status: criteria provided, single submitter. Criteria: GeneDx Variant Classification Process June 2021. Collection method: clinical testing. Allele origin: germline. Affected: yes.
Comment: In silico analysis indicates that this missense variant does not alter protein structure/function; Has not been previously published as pathogenic or benign to our knowledge

Eurofins Ntd Llc (ga)
Classification: Uncertain significance. Last evaluated: 2016-07-13. Review status: criteria provided, single submitter. Criteria: EGL Classification Definitions 2015. Collection method: clinical testing. Allele origin: germline. Observed: 1 variant allele, 1 heterozygote.